The following is an entry in ClinVar:

NM_001378120.1(MBD5):c.413T>C (p.Val138Ala)

Gene: MBD5 (methyl-CpG binding domain protein 5; plus strand). Cytogenetic location: 2q23.1.
Variant type: single nucleotide variant.
Coding change: c.413T>C on transcript NM_001378120.1 (MANE Select); coding-DNA position 413, T replaced by C.
Protein change: p.Val138Ala; replaces valine 138 with alanine.
Molecular consequence: missense variant.
Genome position (GRCh38, 1-based): chr2:148,468,356, T>C. VCF-style: chr2-148468356-T-C. GRCh37 (hg19) VCF-style: chr2-149225925-T-C.
Other names: c.413T>C, p.Val138Ala (NM_018328.5); short protein forms V138A.
Identifiers: ClinVar variation 1368745 (VCV001368745.8), dbSNP rs2105622190, ClinGen allele CA348716745.

ClinVar aggregate classification (germline): Uncertain significance (1 of 4 stars; one submission).

Conditions:
Intellectual developmental disorder, autosomal dominant 1. Also called: Intellectual disability, autosomal dominant 1; MBD5 Haploinsufficiency. Identifiers: Orphanet 228402, MedGen C1969562, MONDO:0007974, OMIM 156200.

Allele frequency attached by ClinVar (database versions not stated): gnomAD exomes below 0.00001.
gnomAD v4.1: 2 of 1,613,532 alleles (0.00012%); highest among the groups gnomAD compares: Non-Finnish European, 0.00017%; no homozygotes.

Submission:

Labcorp Genetics (formerly Invitae), Labcorp
Classification: Uncertain significance for Intellectual developmental disorder, autosomal dominant 1. Last evaluated: 2021-02-01. Review status: criteria provided, single submitter. Criteria: Invitae Variant Classification Sherloc (09022015). Collection method: clinical testing. Allele origin: germline.
Comment: In summary, the available evidence is currently insufficient to determine the role of this variant in disease. Therefore, it has been classified as a Variant of Uncertain Significance. Algorithms developed to predict the effect of missense changes on protein structure and function are either unavailable or do not agree on the potential impact of this missense change (SIFT: "Deleterious"; PolyPhen-2: "Benign"; Align-GVGD: "Class C55"). This variant has not been reported in the literature in individuals with MBD5-related conditions. This variant is not present in population databases (ExAC no frequency). This sequence change replaces valine with alanine at codon 138 of the MBD5 protein (p.Val138Ala). The valine residue is highly conserved and there is a small physicochemical difference between valine and alanine.